The following is an entry in ClinVar:

NM_016156.6(MTMR2):c.1239_1240del (p.Val414fs)

Gene: MTMR2 (myotubularin related protein 2; minus strand). Cytogenetic location: 11q21.
Variant type: Deletion.
Coding change: c.1239_1240del on transcript NM_016156.6 (MANE Select); coding-DNA positions 1239 to 1240, 2 bases deleted (GG; older notation c.1239_1240delGG).
Protein change: p.Val414fs; shifts the reading frame from valine 414.
Molecular consequence: frameshift variant.
Genome position (GRCh38, 1-based): chr11:95,845,099-95,845,100, CC deleted on the plus strand (GG on the coding strand, the reverse complement: MTMR2 is on the minus strand). VCF-style (leftmost placement, unchanged base first): chr11-95845098-ACC-A. GRCh37 (hg19) VCF-style: chr11-95578262-ACC-A.
Other names: c.1023_1024del, p.Val342fs (NM_001243571.2, NM_201278.3, NM_201281.3); short protein forms V342fs, V414fs.
Identifiers: ClinVar variation 962824 (VCV000962824.7), dbSNP rs1863723947, ClinGen allele CA1139662120.

ClinVar aggregate classification (germline): Pathogenic (1 of 4 stars; one submission).

Conditions:
Charcot-Marie-Tooth disease type 4. Also called: Charcot-Marie-Tooth disease, type IV; Charcot-Marie-Tooth, Type 4. Identifiers: Orphanet 64749, MedGen C4082197, MONDO:0018995.

Submission:

Labcorp Genetics (formerly Invitae), Labcorp
Classification: Pathogenic for Charcot-Marie-Tooth disease type 4. Last evaluated: 2019-11-03. Review status: criteria provided, single submitter. Criteria: Invitae Variant Classification Sherloc (09022015). Collection method: clinical testing. Allele origin: germline.
Comment: Loss-of-function variants in MTMR2 are known to be pathogenic (PMID: 10802647). This variant has not been reported in the literature in individuals with MTMR2-related conditions. This variant is not present in population databases (ExAC no frequency). This sequence change creates a premature translational stop signal (p.Val414Serfs*5) in the MTMR2 gene. It is expected to result in an absent or disrupted protein product. For these reasons, this variant has been classified as Pathogenic.

Literature cited by the submitters: PubMed 10802647.